The following is an entry in ClinVar:

NM_023036.6(DNAI2):c.340G>A (p.Gly114Ser)

Gene: DNAI2 (dynein axonemal intermediate chain 2; plus strand). Cytogenetic location: 17q25.1.
Variant type: single nucleotide variant.
Coding change: c.340G>A on transcript NM_023036.6 (MANE Select); coding-DNA position 340, G replaced by A.
Protein change: p.Gly114Ser; replaces glycine 114 with serine.
Molecular consequence: missense variant. On other transcripts: non-coding transcript variant (1).
Genome position (GRCh38, 1-based): chr17:74,285,196, G>A. VCF-style: chr17-74285196-G-A. GRCh37 (hg19) VCF-style: chr17-72281335-G-A.
Other names: c.340G>A, p.Gly114Ser (NM_001172810.3, NM_001353167.2); short protein forms G114S.
Identifiers: ClinVar variation 969147 (VCV000969147.8), dbSNP rs764225804, ClinGen allele CA8745320.

ClinVar aggregate classification (germline): Uncertain significance. Review status: criteria provided, multiple submitters, no conflicts (2 of 4 stars). 3 submissions from 3 submitters: Uncertain significance (2). 1 of the submissions does not count toward it. Last evaluated 2025-11-07.

Conditions:
Primary ciliary dyskinesia. Also called: Ciliary dyskinesia. Identifiers: Orphanet 244, MedGen C0008780, MONDO:0016575, HP:0012265.

Allele frequency attached by ClinVar (database versions not stated): TOPMed 0.00004.
gnomAD v4.1: 89 of 1,613,860 alleles (0.0055%); highest among the groups gnomAD compares: Middle Eastern, 0.033%; no homozygotes.

Submissions (3):

Ambry Genetics
Classification: Uncertain significance for Primary ciliary dyskinesia. Last evaluated: 2025-11-07. Review status: criteria provided, single submitter. Criteria: Ambry Variant Classification Scheme 2023. Collection method: clinical testing. Allele origin: germline.

Labcorp Genetics (formerly Invitae), Labcorp
Classification: Uncertain significance for Primary ciliary dyskinesia. Last evaluated: 2025-10-01. Review status: criteria provided, single submitter. Criteria: Invitae Variant Classification Sherloc (09022015). Collection method: clinical testing. Allele origin: germline.
Comment: This sequence change replaces glycine, which is neutral and non-polar, with serine, which is neutral and polar, at codon 114 of the DNAI2 protein (p.Gly114Ser). This variant is present in population databases (rs764225804, gnomAD 0.007%). This variant has not been reported in the literature in individuals affected with DNAI2-related conditions. ClinVar contains an entry for this variant (Variation ID: 969147). Invitae Evidence Modeling of protein sequence and biophysical properties (such as structural, functional, and spatial information, amino acid conservation, physicochemical variation, residue mobility, and thermodynamic stability) indicates that this missense variant is not expected to disrupt DNAI2 protein function with a negative predictive value of 95%. In summary, the available evidence is currently insufficient to determine the role of this variant in disease. Therefore, it has been classified as a Variant of Uncertain Significance.

Natera, Inc.
Classification: Uncertain significance for Primary ciliary dyskinesia. Last evaluated: 2020-03-11. Review status: no assertion criteria provided. Collection method: clinical testing. Allele origin: germline. Not counted in ClinVar's aggregate classification.